The following is an entry in ClinVar:

ClinVar aggregate classification (germline): Likely pathogenic (1 of 4 stars; one submission).

Conditions:
Autosomal recessive nonsyndromic hearing loss 3. Also called: NEUROSENSORY NONSYNDROMIC RECESSIVE DEAFNESS 3. Identifiers: Orphanet 90636, MedGen C1838263, MONDO:0010860, OMIM 600316.

Submission:

Institute of Rare Diseases, West China Hospital, Sichuan University
Classification: Likely pathogenic for Autosomal recessive nonsyndromic hearing loss 3. Last evaluated: 2025-01-09. Review status: criteria provided, single submitter. Criteria: ClinGen HL ACMG Specifications v1. Collection method: research. Allele origin: germline. Affected: yes.
Comment: PM3;PM5;PM2_Supporting;PP3

NM_016239.4(MYO15A):c.4538C>A (p.Ala1513Glu)

Gene: MYO15A (myosin XVA; plus strand). Cytogenetic location: 17p11.2.
Variant type: single nucleotide variant.
Coding change: c.4538C>A on transcript NM_016239.4 (MANE Select); coding-DNA position 4538, C replaced by A.
Protein change: p.Ala1513Glu; replaces alanine 1513 with glutamic acid.
Molecular consequence: missense variant.
Genome position (GRCh38, 1-based): chr17:18,135,766, C>A. VCF-style: chr17-18135766-C-A. GRCh37 (hg19) VCF-style: chr17-18039080-C-A.
Other names: short protein forms A1513E.
Identifiers: ClinVar variation 3601340 (VCV003601340.1).